The following is an entry in ClinVar:

ClinVar aggregate classification (germline): Pathogenic (1 of 4 stars; one submission).

Conditions:
Early-infantile DEE. Also called: Early infantile epileptic encephalopathy; Ohtahara syndrome; Early infantile epileptic encephalopathy with suppression bursts. Identifiers: Orphanet 1934, MedGen C0393706, MONDO:0800491.

Submission:

Labcorp Genetics (formerly Invitae), Labcorp
Classification: Pathogenic for Early-infantile DEE. Last evaluated: 2022-07-05. Review status: criteria provided, single submitter. Criteria: Invitae Variant Classification Sherloc (09022015). Collection method: clinical testing. Allele origin: germline.
Comment: This sequence change creates a premature translational stop signal (p.Val857Ilefs*59) in the SCN1A gene. It is expected to result in an absent or disrupted protein product. Loss-of-function variants in SCN1A are known to be pathogenic (PMID: 17347258, 18930999). For these reasons, this variant has been classified as Pathogenic. ClinVar contains an entry for this variant (Variation ID: 461253). This variant has not been reported in the literature in individuals affected with SCN1A-related conditions. This variant is not present in population databases (gnomAD no frequency).

Literature cited by the submitters: PubMed 17347258; PubMed 18930999.

NM_001165963.4(SCN1A):c.2565_2568dup (p.Val857fs)

Gene: SCN1A (sodium voltage-gated channel alpha subunit 1; minus strand). Cytogenetic location: 2q24.3.
Variant type: Duplication.
Coding change: c.2565_2568dup on transcript NM_001165963.4 (MANE Select); coding-DNA positions 2565 to 2568, 4 bases duplicated (ATCT; older notation c.2565_2568dupATCT).
Protein change: p.Val857fs; shifts the reading frame from valine 857.
Molecular consequence: frameshift variant. On other transcripts: non-coding transcript variant (1).
Genome position (GRCh38, 1-based): chr2:166,039,444-166,039,447, AGAT duplicated on the plus strand (ATCT on the coding strand, the reverse complement: SCN1A is on the minus strand); duplicating any 4 consecutive bases within chr2:166,039,444-166,039,448 gives the same sequence; the c. name uses the placement nearest the transcript's 3' end. VCF-style (leftmost placement, unchanged base first): chr2-166039443-C-CAGAT. GRCh37 (hg19) VCF-style: chr2-166895953-C-CAGAT.
Other names: c.2481_2484dup, p.Val829fs (NM_001165964.3, NM_001353957.2, NM_001353958.2); c.2565_2568dup, p.Val857fs (NM_001202435.3, NM_001353948.2); c.2532_2535dup, p.Val846fs (NM_001353949.2, NM_001353950.2, NM_001353951.2 and 2 more transcripts); c.2529_2532dup, p.Val845fs (NM_001353954.2, NM_001353955.2); c.2478_2481dup, p.Val828fs (NM_001353960.2); c.123_126dup, p.Val43fs (NM_001353961.2); short protein forms V845fs, V43fs, V829fs, V857fs, V828fs, V846fs.
Identifiers: ClinVar variation 461253 (VCV000461253.7), dbSNP rs1553542199, ClinGen allele CA658657107.